The following is an entry in ClinVar:

ClinVar aggregate classification (germline): Uncertain significance (1 of 4 stars; one submission).

gnomAD v4.1: 2 of 1,613,906 alleles (0.00012%); highest among the groups gnomAD compares: Non-Finnish European, 0.00017%; no homozygotes.

Submission:

Women's Health and Genetics/Laboratory Corporation of America, LabCorp
Classification: Uncertain significance. Last evaluated: 2024-10-02. Review status: criteria provided, single submitter. Criteria: LabCorp Variant Classification Summary - May 2015. Collection method: clinical testing. Allele origin: germline.
Comment: Variant summary: SPTAN1 c.3692G>A (p.Ser1231Asn) results in a conservative amino acid change in the encoded protein sequence. Three of five in-silico tools predict a damaging effect of the variant on protein function. The variant was absent in 248824 control chromosomes. The available data on variant occurrences in the general population are insufficient to allow any conclusion about variant significance. To our knowledge, no occurrence of c.3692G>A in individuals affected with Epileptic Encephalopathy, Early Infantile, 5 and no experimental evidence demonstrating its impact on protein function have been reported. No submitters have cited clinical-significance assessments for this variant to ClinVar. Based on the evidence outlined above, the variant was classified as uncertain significance.

NM_001130438.3(SPTAN1):c.3692G>A (p.Ser1231Asn)

Gene: SPTAN1 (spectrin alpha, non-erythrocytic 1; plus strand). Cytogenetic location: 9q34.11.
Variant type: single nucleotide variant.
Coding change: c.3692G>A on transcript NM_001130438.3 (MANE Select); coding-DNA position 3692, G replaced by A.
Protein change: p.Ser1231Asn; replaces serine 1231 with asparagine.
Molecular consequence: missense variant.
Genome position (GRCh38, 1-based): chr9:128,604,390, G>A. VCF-style: chr9-128604390-G-A. GRCh37 (hg19) VCF-style: chr9-131366669-G-A.
Other names: c.3632G>A, p.Ser1211Asn (NM_001195532.2, NM_001363765.2, NM_001375314.2); c.3692G>A, p.Ser1231Asn (NM_001363759.2, NM_001375310.1, NM_001375311.2 and 2 more transcripts); c.3728G>A, p.Ser1243Asn (NM_001375312.2, NM_001375318.1); short protein forms S1211N, S1231N, S1243N.
Identifiers: ClinVar variation 3384987 (VCV003384987.1).